The following is an entry in ClinVar:

NM_000213.5(ITGB4):c.309C>A (p.Pro103=)

Gene: ITGB4 (integrin subunit beta 4; plus strand). Cytogenetic location: 17q25.1.
Variant type: single nucleotide variant.
Coding change: c.309C>A on transcript NM_000213.5 (MANE Select); coding-DNA position 309, C replaced by A.
Protein change: p.Pro103=; no amino-acid change (proline 103 retained).
Molecular consequence: synonymous variant.
Genome position (GRCh38, 1-based): chr17:75,727,695, C>A. VCF-style: chr17-75727695-C-A. GRCh37 (hg19) VCF-style: chr17-73723776-C-A.
Other names: c.309C>A, p.Pro103= (NM_001005619.2, NM_001005731.3, NM_001321123.2).
Identifiers: ClinVar variation 734244 (VCV000734244.30), dbSNP rs763268075, ClinGen allele CA8768635.

ClinVar aggregate classification (germline): Likely benign. Review status: criteria provided, multiple submitters, no conflicts (2 of 4 stars). 4 submissions from 4 submitters: Likely benign (4). Last evaluated 2024-09-10.

Conditions:
Junctional epidermolysis bullosa with pyloric atresia. Also called: EPIDERMOLYSIS BULLOSA, JUNCTIONAL 5B, WITH PYLORIC ATRESIA; APLASIA CUTIS CONGENITA WITH GASTROINTESTINAL ATRESIA; CARMI SYNDROME; EB-PA-ACC; Junctional Epidermolysis Bullosa- Pyloric Atresia Syndrome; Epidermolysis bullosa, junctional, with pyloric atresia and aplasia cutis congenita. Identifiers: Orphanet 79403, MedGen C5676875, MONDO:0009183, OMIM 226730.
Epidermolysis bullosa, junctional 5A, intermediate. Also called: EPIDERMOLYSIS BULLOSA, JUNCTIONAL 5A, GENERALIZED INTERMEDIATE; EPIDERMOLYSIS BULLOSA, JUNCTIONAL 5A, NON-HERLITZ TYPE. Identifiers: MedGen C5676956, MONDO:0030768, OMIM 619816.

Allele frequency attached by ClinVar (database versions not stated): ExAC 0.00008; gnomAD exomes 0.00015 and 0.00040; gnomAD 0.00017 and 0.00019; TOPMed 0.00025.
gnomAD v4.1: 598 of 1,612,138 alleles (0.037%); highest among the groups gnomAD compares: Non-Finnish European, 0.047%; no homozygotes.

Submissions (4):

Blueprint Genetics
Classification: Likely benign. Last evaluated: 2024-09-10. Review status: criteria provided, single submitter. Criteria: ACMG Guidelines, 2015. Collection method: clinical testing. Allele origin: germline.

CeGaT Center for Human Genetics Tuebingen
Classification: Likely benign. Last evaluated: 2022-10-01. Review status: criteria provided, single submitter. Criteria: CeGaT Center For Human Genetics Tuebingen Variant Classification Criteria Version 2. Collection method: clinical testing. Allele origin: germline. Affected: yes. Observed: 1 variant allele.
Comment: ITGB4: BP4, BP7

Fulgent Genetics
Classification: Likely benign for Junctional epidermolysis bullosa with pyloric atresia; Epidermolysis bullosa, junctional 5A, intermediate. Last evaluated: 2021-07-06. Review status: criteria provided, single submitter. Criteria: ACMG Guidelines, 2015. Collection method: clinical testing. Allele origin: unknown.

Labcorp Genetics (formerly Invitae), Labcorp
Classification: Likely benign. Last evaluated: 2019-12-31. Review status: criteria provided, single submitter. Criteria: Invitae Variant Classification Sherloc (09022015). Collection method: clinical testing. Allele origin: germline.